The following is an entry in ClinVar:

NM_003640.5(ELP1):c.1444T>C (p.Leu482=)

Gene: ELP1 (elongator acetyltransferase complex subunit 1; minus strand). Cytogenetic location: 9q31.3.
Variant type: single nucleotide variant.
Coding change: c.1444T>C on transcript NM_003640.5 (MANE Select); coding-DNA position 1444, T replaced by C.
Protein change: p.Leu482=; no amino-acid change (leucine 482 retained).
Molecular consequence: synonymous variant.
Genome position (GRCh38, 1-based): chr9:108,908,321, A>G on the plus strand (T>C on the coding strand, the complement: ELP1 is on the minus strand). VCF-style: chr9-108908321-A-G. GRCh37 (hg19) VCF-style: chr9-111670601-A-G.
Other names: c.1102T>C, p.Leu368= (NM_001318360.2); c.397T>C, p.Leu133= (NM_001330749.2).
Identifiers: ClinVar variation 765722 (VCV000765722.30), dbSNP rs753849574, ClinGen allele CA5175024.

ClinVar aggregate classification (germline): Likely benign. Review status: criteria provided, multiple submitters, no conflicts (2 of 4 stars). 2 submissions from 2 submitters: Likely benign (2). Last evaluated 2024-10-15.

Allele frequency attached by ClinVar (database versions not stated): gnomAD exomes 0.00001; TOPMed 0.00001; ExAC 0.00002; gnomAD 0.00004.
gnomAD v4.1: 27 of 1,613,312 alleles (0.0017%); highest among the groups gnomAD compares: Non-Finnish European, 0.0023%; no homozygotes.

Submissions (2):

Labcorp Genetics (formerly Invitae), Labcorp
Classification: Likely benign. Last evaluated: 2024-10-15. Review status: criteria provided, single submitter. Criteria: Invitae Variant Classification Sherloc (09022015). Collection method: clinical testing. Allele origin: germline.

CeGaT Center for Human Genetics Tuebingen
Classification: Likely benign. Last evaluated: 2024-04-01. Review status: criteria provided, single submitter. Criteria: CeGaT Center For Human Genetics Tuebingen Variant Classification Criteria Version 2. Collection method: clinical testing. Allele origin: germline. Affected: yes. Observed: 1 variant allele.
Comment: ELP1: BP4, BP7